The following is an entry in ClinVar:

NM_000059.4(BRCA2):c.7759C>T (p.Leu2587Phe)

Gene: BRCA2 (BRCA2 DNA repair associated; plus strand). Cytogenetic location: 13q13.1.
Variant type: single nucleotide variant.
Coding change: c.7759C>T on transcript NM_000059.4 (MANE Select); coding-DNA position 7759, C replaced by T.
Protein change: p.Leu2587Phe; replaces leucine 2587 with phenylalanine.
Molecular consequence: missense variant.
Genome position (GRCh38, 1-based): chr13:32,357,883, C>T. VCF-style: chr13-32357883-C-T. GRCh37 (hg19) VCF-style: chr13-32932020-C-T.
Other names: p.L2587F:CTC>TTC; NP_000050.3:p.Leu2587Phe; NM_000059.4(BRCA2):c.7759C>T; short protein forms L2587F.
Identifiers: ClinVar variation 141335 (VCV000141335.64), dbSNP rs56335340, ClinGen allele CA025261.

ClinVar aggregate classification (germline): Benign. Review status: reviewed by expert panel (3 of 4 stars). 20 submissions from 20 submitters: Benign (1). 19 of the submissions do not count toward it. Last evaluated 2025-05-23.

Conditions:
BRCA2-related disorder. Also called: BRCA2-related condition; BRCA2-related disorders. Identifiers: MedGen CN239275.
BRCA2-related cancer predisposition. Identifiers: MedGen CN377758, MONDO:0700269.
Hereditary cancer-predisposing syndrome. Also called: Tumor predisposition; Neoplastic Syndromes, Hereditary; Hereditary neoplastic syndrome; Hereditary Cancer Syndrome. Identifiers: Orphanet 140162, MedGen C0027672, MeSH D009386, MONDO:0015356.
Hereditary breast ovarian cancer syndrome. Also called: Hereditary breast and ovarian cancer syndrome; Hereditary breast and ovarian cancer; Hereditary breast and ovarian cancer syndrome (HBOC); Hereditary breast and/or ovarian cancer syndrome; BRCA1- and BRCA2-Associated Hereditary Breast and Ovarian Cancer; Breast and ovarian cancer. Identifiers: Orphanet 145, MedGen C0677776, MeSH D061325, MONDO:0003582. Disease mechanism: loss of function.
Breast-ovarian cancer, familial, susceptibility to, 2 (BROVCA2). Also called: BRCA2 Hereditary Breast and Ovarian Cancer. Identifiers: Orphanet 145, MedGen C2675520, MONDO:0012933, OMIM 612555. Disease mechanism: loss of function.
Carcinoma of colon (CRC). Also called: Colonic carcinoma; Colon carcinoma. Identifiers: MedGen C0699790, MONDO:0002032.

Allele frequency attached by ClinVar (database versions not stated): gnomAD 0.00001; TOPMed 0.00003; ExAC 0.00004; gnomAD exomes 0.00004.
gnomAD v4.1: 75 of 1,613,928 alleles (0.0046%); highest among the groups gnomAD compares: Non-Finnish European, 0.0057%; no homozygotes.

Submissions 1 to 12 of 20:

ClinGen ENIGMA BRCA1 and BRCA2 Variant Curation Expert Panel, ClinGen
Classification: Benign for BRCA2-related cancer predisposition. Last evaluated: 2025-05-23. Review status: reviewed by expert panel. Criteria: CSpec BRCA1/2ACMG Rules Specifications V1.2. Collection method: curation. Allele origin: germline. Inheritance: Autosomal dominant inheritance.
Comment: The c.7759C>T variant in BRCA2 is a missense variant predicted to cause substitution of leucine by phenylalanine at amino acid 2587 (p.Leu2587Phe). The highest non-cancer, non-founder population filter allele frequency in gnomAD v2.1 (exomes only, non-cancer subset, read depth ≥20) or gnomAD v3.1 (non-cancer subset, read depth ≥20) is 0.00004512 in the European (non-Finnish) population which is within the ENIGMA BRCA1/2 VCEP threshold (>0.00002 to ≤ 0.0001) for BS1_Supporting (BS1_Supporting met). This BRCA2 missense variant is within a key functional domain and the computational predictor BayesDel (noAF) gives a score of 0.15, which is below the recommended threshold of 0.18 for predicting no impact on BRCA2 via protein change. A SpliceAI score of 0.04 predicts no impact on splicing (score threshold <0.10) (BP4 met). Reported by four calibrated studies to exhibit protein function similar to benign control variants (PMIDs:38417439, 33293522, 39779857, 39779848) (BS3 met). Multifactorial likelihood ratio analysis using clinically calibrated data produced a combined LR for this variant of 0.0022 (based on Cosegregation LR=0.092; Pathology LR=0.675; Family History LR=0.0345), below the thresholds for Very strong benign evidence (LR <0.00285) (BP5_Very strong met; PMID 34597585, 31853058). In summary, this variant meets the criteria to be classified as a Benign variant for BRCA2-related cancer predisposition based on the ACMG/AMP criteria applied as specified by the ENIGMA BRCA1/2 VCEP (BS1_Supporting, BP4, BS3, BP5_Very strong).

Women's Health and Genetics/Laboratory Corporation of America, LabCorp
Classification: Likely benign. Last evaluated: 2026-06-26. Review status: criteria provided, single submitter. Criteria: LabCorp Variant Classification Summary - May 2015. Collection method: clinical testing. Allele origin: germline. Not counted in ClinVar's aggregate classification.
Comment: Variant summary: BRCA2 c.7759C>T (p.Leu2587Phe) results in a non-conservative amino acid change located in the Breast cancer type 2 susceptibility protein, helical domain of the encoded protein sequence. Algorithms developed to predict the effect of missense changes on protein structure and function all suggest that this variant is likely to be disruptive. The variant allele was found at a frequency of 4.4e-05 in 251514 control chromosomes. This frequency is not significantly higher than estimated for a pathogenic variant in BRCA2 causing Hereditary Breast And Ovarian Cancer Syndrome (4.4e-05 vs 0.00075), allowing no conclusion about variant significance. c.7759C>T has been reported in the literature in individuals undergoing evaluation for breast/colorectal cancer (e.g. Velasco_2005, Garre_2014, Tsai_2019). Some of these reports classify the variant as a VUS within settings of multigene panel testing (e.g. Tsai_2019). These report(s) do not provide unequivocal conclusions about association of the variant with Hereditary Breast And Ovarian Cancer Syndrome. At least three publications report experimental evidence evaluating an impact on protein function (e.g. Guidugli_2018, Richardson_2021, Hu_2022). These results showed no damaging effect of this variant on homology directed repair (HDR) activity. HDR assays qualify as a recognized gold standard based on updated guidance from the ClinGen Sequence Variant Interpretation (SVI) working group. This working group has recommended strong functional evidence (ACMG BS3) as sufficient weightage for categorization as likely benign (Tavtigian_2018). The following publications have been ascertained in the context of this evaluation (PMID: 29849630, 27165003, 29881398, 24814045, 29394989, 29884841, 35736817, 16758124, 20167696, 33609447, 30374176, 15937982, 30055349). ClinVar contains an entry for this variant (Variation ID: 141335). Based on the evidence outlined above, the variant was classified as likely benign.

PreventionGenetics, part of Exact Sciences
Classification: Likely benign for BRCA2-related condition. Last evaluated: 2026-06-17. Review status: criteria provided, single submitter. Criteria: ACMG Guidelines, 2015. Collection method: clinical testing. Allele origin: germline. Not counted in ClinVar's aggregate classification.
Comment: This variant is classified as likely benign based on ACMG/AMP sequence variant interpretation guidelines (Richards et al. 2015 PMID: 25741868, with internal and published modifications).

Labcorp Genetics (formerly Invitae), Labcorp
Classification: Likely benign for Hereditary breast ovarian cancer syndrome. Last evaluated: 2026-01-07. Review status: criteria provided, single submitter. Criteria: Invitae Variant Classification Sherloc (09022015). Collection method: clinical testing. Allele origin: germline. Not counted in ClinVar's aggregate classification.

Center for Genomic Medicine, Rigshospitalet, Copenhagen University Hospital
Classification: Likely benign. Last evaluated: 2025-03-04. Review status: criteria provided, single submitter. Criteria: ACMG Guidelines, 2015. Collection method: clinical testing. Allele origin: germline. Not counted in ClinVar's aggregate classification.

All of Us Research Program, National Institutes of Health
Classification: Likely benign for BRCA2-related cancer predisposition. Last evaluated: 2024-09-23. Review status: criteria provided, single submitter. Criteria: ACMG Guidelines, 2015. Collection method: clinical testing. Allele origin: germline. Inheritance: Autosomal dominant inheritance. Observed: 11 variant alleles, 11 heterozygotes. Not counted in ClinVar's aggregate classification.
Comment: This study involves interpretation of variants in research participants for the purpose of population health screening. Participant phenotype was not available at the time of variant classification. Additional details can be found in publication PMID: 35346344, PMCID: PMC8962531

Color Diagnostics, LLC DBA Color Health
Classification: Likely benign for Hereditary cancer-predisposing syndrome. Last evaluated: 2024-03-27. Review status: criteria provided, single submitter. Criteria: ACMG Guidelines, 2015. Collection method: clinical testing. Allele origin: germline. Not counted in ClinVar's aggregate classification.

Quest Diagnostics Nichols Institute San Juan Capistrano
Classification: Likely benign. Last evaluated: 2023-03-15. Review status: criteria provided, single submitter. Criteria: Quest Diagnostics criteria. Collection method: clinical testing. Allele origin: unknown. Not counted in ClinVar's aggregate classification.

Clinical Genetics Laboratory, Skane University Hospital Lund
Classification: Uncertain significance. Last evaluated: 2022-06-08. Review status: criteria provided, single submitter. Criteria: ACMG Guidelines, 2015. Collection method: clinical testing. Allele origin: germline. Affected: yes. Not counted in ClinVar's aggregate classification.

Sema4
Classification: Uncertain significance for Hereditary cancer-predisposing syndrome. Last evaluated: 2022-02-10. Review status: criteria provided, single submitter. Criteria: Sema4 Curation Guidelines. Collection method: curation. Allele origin: germline. Not counted in ClinVar's aggregate classification.
Comment: The BRCA2 c.7759C>T (p.L2587F) variant has been reported in heterozygosity in at least 3 individuals with breast cancer ovarian cancer or colorectal cancer (PMID: 24814045 15937982 28223274). It has been reported in a large case-control study of breast cancer in 8/60466 cases and 5/53461 controls (PMID: 33471991). A homology directed repair study demonstrated the normal function of the protein (PMID: 29394989). It was observed in 9/113728 chromosomes of the Non-Finnish European (NFE) subpopulation in the large and broad cohorts of the Genome Aggregation Database (PMID: 32461654). This variant has been reported in ClinVar (Variation ID 141335). In silico tools suggest the impact of the variant on protein function is deleterious, though these predictions have not been confirmed by functional studies. The evidence is insufficient to meet ACMG/AMP criteria for classifying the variant as benign or pathogenic. Thus, the clinical significance of this variant is currently uncertain.

National Health Laboratory Service, Universitas Academic Hospital and University of the Free State
Classification: Benign for Hereditary breast ovarian cancer syndrome. Last evaluated: 2021-11-16. Review status: criteria provided, single submitter. Criteria: ACMG Guidelines, 2015. Collection method: clinical testing. Allele origin: germline. Affected: yes. Observed: 1 variant allele. Not counted in ClinVar's aggregate classification.

Ambry Genetics
Classification: Likely benign for Hereditary cancer-predisposing syndrome. Last evaluated: 2020-02-25. Review status: criteria provided, single submitter. Criteria: Ambry Variant Classification Scheme 2023. Collection method: clinical testing. Allele origin: germline. Not counted in ClinVar's aggregate classification.